The following is an entry in ClinVar:

ClinVar aggregate classification (germline): Uncertain significance (1 of 4 stars; one submission).

Conditions:
Generalized epilepsy-paroxysmal dyskinesia syndrome (PNKD3). Also called: Generalized epilepsy and paroxysmal dyskinesia; Paroxysmal nonkinesigenic dyskinesia, 3, with or without generalized epilepsy. Identifiers: Orphanet 79137, MedGen C5574945, MONDO:0012276, OMIM 609446.

Submission:

Labcorp Genetics (formerly Invitae), Labcorp
Classification: Uncertain significance for Generalized epilepsy-paroxysmal dyskinesia syndrome. Last evaluated: 2022-05-27. Review status: criteria provided, single submitter. Criteria: Invitae Variant Classification Sherloc (09022015). Collection method: clinical testing. Allele origin: germline.
Comment: Algorithms developed to predict the effect of missense changes on protein structure and function (SIFT, PolyPhen-2, Align-GVGD) all suggest that this variant is likely to be disruptive. In summary, the available evidence is currently insufficient to determine the role of this variant in disease. Therefore, it has been classified as a Variant of Uncertain Significance. This variant is not present in population databases (gnomAD no frequency). This sequence change replaces alanine, which is neutral and non-polar, with threonine, which is neutral and polar, at codon 532 of the KCNMA1 protein (p.Ala532Thr). This variant has not been reported in the literature in individuals affected with KCNMA1-related conditions.

NM_001161352.2(KCNMA1):c.1594G>A (p.Ala532Thr)

Gene: KCNMA1 (potassium calcium-activated channel subfamily M alpha 1; minus strand). Cytogenetic location: 10q22.3.
Variant type: single nucleotide variant.
Coding change: c.1594G>A on transcript NM_001161352.2 (MANE Select); coding-DNA position 1594, G replaced by A.
Protein change: p.Ala532Thr; replaces alanine 532 with threonine.
Molecular consequence: missense variant.
Genome position (GRCh38, 1-based): chr10:77,073,252, C>T on the plus strand (G>A on the coding strand, the complement: KCNMA1 is on the minus strand). VCF-style: chr10-77073252-C-T. GRCh37 (hg19) VCF-style: chr10-78833010-C-T.
Other names: c.1594G>A, p.Ala532Thr (NM_001014797.3, NM_001161353.2, NM_001271519.2 and 8 more transcripts); c.1432G>A, p.Ala478Thr (NM_001271518.2); c.1054G>A, p.Ala352Thr (NM_001322838.2); short protein forms A352T, A478T, A532T.
Identifiers: ClinVar variation 1999393 (VCV001999393.4), dbSNP rs2550660463, ClinGen allele CA377405023.